The following is an entry in ClinVar:

ClinVar aggregate classification (germline): Uncertain significance (1 of 4 stars; one submission).

gnomAD v4.1: 1 of 470,436 alleles (0.00021%); highest among the groups gnomAD compares: Non-Finnish European, 0.00044%; no homozygotes.

Submission:

Women's Health and Genetics/Laboratory Corporation of America, LabCorp
Classification: Uncertain significance. Last evaluated: 2025-05-30. Review status: criteria provided, single submitter. Criteria: LabCorp Variant Classification Summary - May 2015. Collection method: clinical testing. Allele origin: germline.
Comment: Variant summary: F13A1 c.-72G>A is located in the untranslated mRNA region upstream of the initiation codon. The frequency data for this variant in gnomAD is considered unreliable, as metrics indicate poor data quality at this position. To our knowledge, no occurrence of c.-72G>A in individuals affected with Factor XIIIA Deficiency and no experimental evidence demonstrating its impact on protein function have been reported. No submitters have cited clinical-significance assessments for this variant to ClinVar. Based on the evidence outlined above, the variant was classified as uncertain significance.

NM_000129.4(F13A1):c.-72G>A

Gene: F13A1 (coagulation factor XIII A chain; minus strand). Cytogenetic location: 6p25.1.
Variant type: single nucleotide variant.
Coding change: c.-72G>A on transcript NM_000129.4 (MANE Select); 72 bases upstream of the start codon, G replaced by A.
Molecular consequence: 5 prime UTR variant.
Genome position (GRCh38, 1-based): chr6:6,320,640, C>T on the plus strand (G>A on the coding strand, the complement: F13A1 is on the minus strand). VCF-style: chr6-6320640-C-T. GRCh37 (hg19) VCF-style: chr6-6320873-C-T.
Identifiers: ClinVar variation 3902148 (VCV003902148.1).